The following is an entry in ClinVar:

ClinVar aggregate classification (germline): Likely benign. Review status: criteria provided, single submitter (1 of 4 stars). 2 submissions from 2 submitters: Likely benign (1). 1 of the submissions does not count toward it. Last evaluated 2019-12-31.

Conditions:
AMBN-related disorder. Also called: AMBN-related condition.

Allele frequency attached by ClinVar (database versions not stated): gnomAD exomes 0.00017 and 0.00082; gnomAD 0.00023 and 0.00025; TOPMed 0.00052; 1000 Genomes Project 0.00060; 1000 Genomes Project 30x 0.00062; ExAC 0.00085.
gnomAD v4.1: 271 of 1,575,876 alleles (0.017%); highest among the groups gnomAD compares: Admixed American, 0.46%; 2 homozygotes.

Submissions (2):

Labcorp Genetics (formerly Invitae), Labcorp
Classification: Likely benign. Last evaluated: 2019-12-31. Review status: criteria provided, single submitter. Criteria: Invitae Variant Classification Sherloc (09022015). Collection method: clinical testing. Allele origin: germline.

PreventionGenetics, part of Exact Sciences
Classification: Likely benign for AMBN-related condition. Last evaluated: 2019-11-19. Review status: no assertion criteria provided. Collection method: clinical testing. Allele origin: germline. Not counted in ClinVar's aggregate classification.
Comment: This variant is classified as likely benign based on ACMG/AMP sequence variant interpretation guidelines (Richards et al. 2015 PMID: 25741868, with internal and published modifications).

NM_016519.6(AMBN):c.542T>C (p.Val181Ala)

Gene: AMBN (ameloblastin; plus strand). Cytogenetic location: 4q13.3.
Variant type: single nucleotide variant.
Coding change: c.542T>C on transcript NM_016519.6 (MANE Select); coding-DNA position 542, T replaced by C.
Protein change: p.Val181Ala; replaces valine 181 with alanine.
Molecular consequence: missense variant.
Genome position (GRCh38, 1-based): chr4:70,602,634, T>C. VCF-style: chr4-70602634-T-C. GRCh37 (hg19) VCF-style: chr4-71468351-T-C.
Other names: short protein forms V181A.
Identifiers: ClinVar variation 770153 (VCV000770153.6), dbSNP rs189846864, ClinGen allele CA2951387.